The following is an entry in ClinVar:

NM_004612.4(TGFBR1):c.761T>C (p.Leu254Ser)

Gene: TGFBR1 (transforming growth factor beta receptor 1; plus strand). Cytogenetic location: 9q22.33.
Variant type: single nucleotide variant.
Coding change: c.761T>C on transcript NM_004612.4 (MANE Select); coding-DNA position 761, T replaced by C.
Protein change: p.Leu254Ser; replaces leucine 254 with serine.
Molecular consequence: missense variant. On other transcripts: non-coding transcript variant (4), intron variant (2).
Genome position (GRCh38, 1-based): chr9:99,138,045, T>C. VCF-style: chr9-99138045-T-C. GRCh37 (hg19) VCF-style: chr9-101900327-T-C.
Other names: c.530T>C, p.Leu177Ser (NM_001130916.3); c.773T>C, p.Leu258Ser (NM_001306210.2, NM_001407416.1); c.761T>C, p.Leu254Ser (NM_001407417.1); c.566T>C, p.Leu189Ser (NM_001407418.1, NM_001407419.1, NM_001407420.1 and 1 more transcripts); c.554T>C, p.Leu185Ser (NM_001407423.1, NM_001407424.1, NM_001407425.1 and 8 more transcripts); c.515T>C, p.Leu172Ser (NM_001407436.1); c.284T>C, p.Leu95Ser (NM_001407438.1); c.575-4491T>C (NM_001407435.1); and 1 more; short protein forms L172S, L254S, L95S, L177S, L189S, L185S, L258S.
Identifiers: ClinVar variation 4740622 (VCV004740622.1).
Genomic context (GRCh38, chr9:99,138,045, plus strand): 5'-TCTCCTCTAGAGAAGAACGTTCGTGGTTCCGTGAGGCAGAGATTTATCAAACTGTAATGT[T>C]ACGTCATGAAAACATCCTGGGATTTATAGCAGCAGACAATAAAGGTCTGTAACATTTGCT-3'
Protein context (NP_004603.1, residues 244-264): REAEIYQTVM[Leu254Ser]RHENILGFIA

ClinVar aggregate classification (germline): Uncertain significance (1 of 4 stars; one submission).

Conditions:
Familial thoracic aortic aneurysm and aortic dissection (TAAD). Also called: Thoracic aortic aneurysms and dissections. Identifiers: Orphanet 91387, MedGen C4707243, MONDO:0019625.

Submission:

Labcorp Genetics (formerly Invitae), Labcorp
Classification: Uncertain significance for Familial thoracic aortic aneurysm and aortic dissection. Last evaluated: 2025-10-21. Review status: criteria provided, single submitter. Criteria: Invitae Variant Classification Sherloc (09022015). Collection method: clinical testing. Allele origin: germline.
Comment: This sequence change replaces leucine, which is neutral and non-polar, with serine, which is neutral and polar, at codon 254 of the TGFBR1 protein (p.Leu254Ser). This variant is not present in population databases (gnomAD no frequency). This variant has not been reported in the literature in individuals affected with TGFBR1-related conditions. Invitae Evidence Modeling of protein sequence and biophysical properties (such as structural, functional, and spatial information, amino acid conservation, physicochemical variation, residue mobility, and thermodynamic stability) indicates that this missense variant is expected to disrupt TGFBR1 protein function with a positive predictive value of 80%. In summary, the available evidence is currently insufficient to determine the role of this variant in disease. Therefore, it has been classified as a Variant of Uncertain Significance.